The following is an entry in ClinVar:

NM_020297.4(ABCC9):c.2321G>T (p.Ser774Ile)

Gene: ABCC9 (ATP binding cassette subfamily C member 9; minus strand). Cytogenetic location: 12p12.1.
Variant type: single nucleotide variant.
Coding change: c.2321G>T on transcript NM_020297.4 (MANE Select); coding-DNA position 2321, G replaced by T.
Protein change: p.Ser774Ile; replaces serine 774 with isoleucine.
Molecular consequence: missense variant.
Genome position (GRCh38, 1-based): chr12:21,862,971, C>A on the plus strand (G>T on the coding strand, the complement: ABCC9 is on the minus strand). VCF-style: chr12-21862971-C-A. GRCh37 (hg19) VCF-style: chr12-22015905-C-A.
Other names: c.2321G>T, p.Ser774Ile (NM_001377273.1, NM_005691.4); c.1454G>T, p.Ser485Ile (NM_001377274.1); short protein forms S485I, S774I.
Identifiers: ClinVar variation 3682544 (VCV003682544.2).

ClinVar aggregate classification (germline): Uncertain significance (1 of 4 stars; one submission).

Conditions:
Dilated cardiomyopathy 1O (CMD1O). Also called: CARDIOMYOPATHY, DILATED, WITH VENTRICULAR TACHYCARDIA. Identifiers: Orphanet 154, MedGen C1837839, MONDO:0012062, OMIM 608569.

Submission:

Labcorp Genetics (formerly Invitae), Labcorp
Classification: Uncertain significance for Dilated cardiomyopathy 1O. Last evaluated: 2024-09-26. Review status: criteria provided, single submitter. Criteria: Invitae Variant Classification Sherloc (09022015). Collection method: clinical testing. Allele origin: germline.
Comment: This sequence change replaces serine, which is neutral and polar, with isoleucine, which is neutral and non-polar, at codon 774 of the ABCC9 protein (p.Ser774Ile). This variant is not present in population databases (gnomAD no frequency). This variant has not been reported in the literature in individuals affected with ABCC9-related conditions. Invitae Evidence Modeling of protein sequence and biophysical properties (such as structural, functional, and spatial information, amino acid conservation, physicochemical variation, residue mobility, and thermodynamic stability) has been performed for this missense variant. However, the output from this modeling did not meet the statistical confidence thresholds required to predict the impact of this variant on ABCC9 protein function. In summary, the available evidence is currently insufficient to determine the role of this variant in disease. Therefore, it has been classified as a Variant of Uncertain Significance.